The following is an entry in ClinVar:

ClinVar aggregate classification (germline): Uncertain significance. Review status: criteria provided, multiple submitters, no conflicts (2 of 4 stars). 8 submissions from 8 submitters: Uncertain significance (7). 1 of the submissions does not count toward it. Last evaluated 2025-07-01.

Conditions:
MHC class II deficiency. Also called: Bare lymphocyte syndrome 2; BLS, TYPE II. Identifiers: Orphanet 572, MedGen C5447452, MONDO:0008855.
Rheumatoid arthritis (RA). Also called: RHEUMATOID ARTHRITIS, SUSCEPTIBILITY TO. Identifiers: MedGen C0003873, MONDO:0008383, OMIM 180300, HP:0001370.

Allele frequency attached by ClinVar (database versions not stated): gnomAD 0.00027 and 0.00029; ESP Exome Variant Server 0.00031; TOPMed 0.00039; ExAC 0.00041; 1000 Genomes Project 30x 0.00062; 1000 Genomes Project 0.00080.
gnomAD v4.1: 571 of 1,613,610 alleles (0.035%); highest among the groups gnomAD compares: Middle Eastern, 0.23%; no homozygotes.

Submissions (8):

CeGaT Center for Human Genetics Tuebingen
Classification: Uncertain significance. Last evaluated: 2025-07-01. Review status: criteria provided, single submitter. Criteria: CeGaT Center For Human Genetics Tuebingen Variant Classification Criteria Version 2. Collection method: clinical testing. Allele origin: germline. Affected: yes. Observed: 1 variant allele.

Blueprint Genetics
Classification: Uncertain significance. Last evaluated: 2024-10-15. Review status: criteria provided, single submitter. Criteria: ACMG Guidelines, 2015. Collection method: clinical testing. Allele origin: germline.

Labcorp Genetics (formerly Invitae), Labcorp
Classification: Uncertain significance for MHC class II deficiency. Last evaluated: 2022-10-24. Review status: criteria provided, single submitter. Criteria: Invitae Variant Classification Sherloc (09022015). Collection method: clinical testing. Allele origin: germline.
Comment: This sequence change replaces serine, which is neutral and polar, with asparagine, which is neutral and polar, at codon 1115 of the CIITA protein (p.Ser1115Asn). This variant is present in population databases (rs138790505, gnomAD 0.1%). This variant has not been reported in the literature in individuals affected with CIITA-related conditions. ClinVar contains an entry for this variant (Variation ID: 598994). Algorithms developed to predict the effect of missense changes on protein structure and function (SIFT, PolyPhen-2, Align-GVGD) all suggest that this variant is likely to be tolerated. In summary, the available evidence is currently insufficient to determine the role of this variant in disease. Therefore, it has been classified as a Variant of Uncertain Significance.

Fulgent Genetics
Classification: Uncertain significance for Rheumatoid arthritis; MHC class II deficiency 1. Last evaluated: 2022-02-24. Review status: criteria provided, single submitter. Criteria: ACMG Guidelines, 2015. Collection method: clinical testing. Allele origin: unknown.

Baylor Genetics
Classification: Uncertain significance for Rheumatoid arthritis. Last evaluated: 2019-11-08. Review status: criteria provided, single submitter. Criteria: ACMG Guidelines, 2015. Collection method: clinical testing. Allele origin: unknown. Affected: yes.
Comment: This variant was determined to be of uncertain significance according to ACMG Guidelines, 2015 [PMID:25741868].

Center for Personalized Medicine, Children's Hospital Los Angeles
Classification: Uncertain significance. Last evaluated: 2018-11-19. Review status: criteria provided, single submitter. Criteria: ACMG Guidelines, 2015. Collection method: clinical testing. Allele origin: germline. Affected: yes.

Breakthrough Genomics
Classification: Uncertain significance. Review status: criteria provided, single submitter. Criteria: ACMG Guidelines, 2015. Collection method: not provided. Allele origin: germline. Inheritance: Autosomal recessive inheritance. Affected: yes.

Natera, Inc.
Classification: Uncertain significance for Bare lymphocyte syndrome type II. Last evaluated: 2020-09-16. Review status: no assertion criteria provided. Collection method: clinical testing. Allele origin: germline. Not counted in ClinVar's aggregate classification.

NM_000246.4(CIITA):c.3344G>A (p.Ser1115Asn)

Gene: CIITA (class II major histocompatibility complex transactivator; plus strand). Cytogenetic location: 16p13.13.
Variant type: single nucleotide variant.
Coding change: c.3344G>A on transcript NM_000246.4 (MANE Select); coding-DNA position 3344, G replaced by A.
Protein change: p.Ser1115Asn; replaces serine 1115 with asparagine.
Molecular consequence: missense variant. On other transcripts: non-coding transcript variant (1).
Genome position (GRCh38, 1-based): chr16:10,923,254, G>A. VCF-style: chr16-10923254-G-A. GRCh37 (hg19) VCF-style: chr16-11017111-G-A.
Other names: c.3347G>A, p.Ser1116Asn (NM_001286402.1, NM_001379332.1); c.1592G>A, p.Ser531Asn (NM_001286403.2); c.3200G>A, p.Ser1067Asn (NM_001379330.1); c.3197G>A, p.Ser1066Asn (NM_001379331.1); c.3344G>A, p.Ser1115Asn (NM_001379333.1); c.3275G>A, p.Ser1092Asn (NM_001379334.1); short protein forms S1115N, S1116N, S531N, S1066N, S1067N, S1092N.
Identifiers: ClinVar variation 598994 (VCV000598994.21), dbSNP rs138790505, ClinGen allele CA7900798.